The following is an entry in ClinVar:

NM_001330691.3(CEP78):c.892+4T>C

Gene: CEP78 (centrosomal protein 78; plus strand). Cytogenetic location: 9q21.2.
Variant type: single nucleotide variant.
Coding change: c.892+4T>C on transcript NM_001330691.3 (MANE Select); 4 bases into the intron after coding-DNA position 892, T replaced by C.
Molecular consequence: intron variant.
Genome position (GRCh38, 1-based): chr9:78,246,786, T>C. VCF-style: chr9-78246786-T-C. GRCh37 (hg19) VCF-style: chr9-80861702-T-C.
Other names: c.892+4T>C (NM_001349839.2, NM_001349840.2, NM_001330693.3 and 4 more transcripts).
Identifiers: ClinVar variation 1463688 (VCV001463688.6), dbSNP rs776868804, ClinGen allele CA5095052.

ClinVar aggregate classification (germline): Uncertain significance (1 of 4 stars; one submission).

Allele frequency attached by ClinVar (database versions not stated): gnomAD exomes below 0.00001; ExAC 0.00001; gnomAD 0.00001.
gnomAD v4.1: 6 of 1,484,674 alleles (0.0004%); highest among the groups gnomAD compares: Non-Finnish European, 0.00046%; no homozygotes.

Submission:

Labcorp Genetics (formerly Invitae), Labcorp
Classification: Uncertain significance. Last evaluated: 2022-02-24. Review status: criteria provided, single submitter. Criteria: Invitae Variant Classification Sherloc (09022015). Collection method: clinical testing. Allele origin: germline.
Comment: This variant has not been reported in the literature in individuals affected with CEP78-related conditions. Variants that disrupt the consensus splice site are a relatively common cause of aberrant splicing (PMID: 17576681, 9536098). Algorithms developed to predict the effect of sequence changes on RNA splicing suggest that this variant is not likely to affect RNA splicing. In summary, the available evidence is currently insufficient to determine the role of this variant in disease. Therefore, it has been classified as a Variant of Uncertain Significance. The frequency data for this variant in the population databases is considered unreliable, as metrics indicate poor data quality at this position in the gnomAD database. This sequence change falls in intron 6 of the CEP78 gene. It does not directly change the encoded amino acid sequence of the CEP78 protein. It affects a nucleotide within the consensus splice site.

Literature cited by the submitters: PubMed 17576681; PubMed 9536098.